The following is an entry in ClinVar:

ClinVar aggregate classification (germline): Uncertain significance (1 of 4 stars; one submission).

Conditions:
Hereditary cancer-predisposing syndrome. Also called: Neoplastic Syndromes, Hereditary; Hereditary neoplastic syndrome; Tumor predisposition; Hereditary Cancer Syndrome. Identifiers: Orphanet 140162, MedGen C0027672, MeSH D009386, MONDO:0015356.

Submission:

Ambry Genetics
Classification: Uncertain significance for Hereditary cancer-predisposing syndrome. Last evaluated: 2026-02-09. Review status: criteria provided, single submitter. Criteria: Ambry Variant Classification Scheme 2023. Collection method: clinical testing. Allele origin: germline.
Comment: The p.A343V variant (also known as c.1028C>T), located in coding exon 3 of the AXIN2 gene, results from a C to T substitution at nucleotide position 1028. The alanine at codon 343 is replaced by valine, an amino acid with similar properties. This amino acid position is well conserved in available vertebrate species. In addition, the in silico prediction for this alteration is inconclusive. Based on the available evidence, the clinical significance of this variant remains unclear.

NM_004655.4(AXIN2):c.1028C>T (p.Ala343Val)

Gene: AXIN2 (axin 2; minus strand). Cytogenetic location: 17q24.1.
Variant type: single nucleotide variant.
Coding change: c.1028C>T on transcript NM_004655.4 (MANE Select); coding-DNA position 1028, C replaced by T.
Protein change: p.Ala343Val; replaces alanine 343 with valine.
Molecular consequence: missense variant.
Genome position (GRCh38, 1-based): chr17:65,541,486, G>A on the plus strand (C>T on the coding strand, the complement: AXIN2 is on the minus strand). VCF-style: chr17-65541486-G-A. GRCh37 (hg19) VCF-style: chr17-63537604-G-A.
Other names: c.1028C>T, p.Ala343Val (NM_001363813.1); short protein forms A343V.
Identifiers: ClinVar variation 4824621 (VCV004824621.1).